The following is an entry in ClinVar:

NM_020207.7(ERCC6L2):c.2836C>T (p.Arg946Ter)

Gene: ERCC6L2 (ERCC excision repair 6 like 2; plus strand). Cytogenetic location: 9q22.32.
Variant type: single nucleotide variant.
Coding change: c.2836C>T on transcript NM_020207.7 (MANE Select); coding-DNA position 2836, C replaced by T.
Protein change: p.Arg946Ter; replaces arginine 946 with a stop codon.
Molecular consequence: nonsense. On other transcripts: non-coding transcript variant (1).
Genome position (GRCh38, 1-based): chr9:95,972,587, C>T. VCF-style: chr9-95972587-C-T. GRCh37 (hg19) VCF-style: chr9-98734869-C-T.
Other names: c.2836C>T, p.Arg946Ter (NM_001375291.1, NM_001375292.1, NM_001375293.1 and 1 more transcripts); short protein forms R946*.
Identifiers: ClinVar variation 2969532 (VCV002969532.3), dbSNP rs1290453614, ClinGen allele CA589285413.

ClinVar aggregate classification (germline): Pathogenic (1 of 4 stars; one submission).

gnomAD v4.1: 24 of 1,289,096 alleles (0.0019%); highest among the groups gnomAD compares: African/African-American, 0.0061%; no homozygotes.

Submission:

Labcorp Genetics (formerly Invitae), Labcorp
Classification: Pathogenic. Last evaluated: 2025-12-20. Review status: criteria provided, single submitter. Criteria: Invitae Variant Classification Sherloc (09022015). Collection method: clinical testing. Allele origin: germline.
Comment: This sequence change creates a premature translational stop signal (p.Arg957*) in the ERCC6L2 gene. It is expected to result in an absent or disrupted protein product. Loss-of-function variants in ERCC6L2 are known to be pathogenic (PMID: 24507776, 27185855, 29146883, 29987015). This variant is present in population databases (no rsID available, gnomAD 0.002%). This variant has not been reported in the literature in individuals affected with ERCC6L2-related conditions. ClinVar contains an entry for this variant (Variation ID: 2969532). For these reasons, this variant has been classified as Pathogenic.

Literature cited by the submitters: PubMed 24507776; PubMed 27185855; PubMed 29146883; PubMed 29987015.